The following is an entry in ClinVar:

NM_019594.4(LRRC8A):c.2416G>A (p.Asp806Asn)

Gene: LRRC8A (leucine rich repeat containing 8 VRAC subunit A; plus strand). Cytogenetic location: 9q34.11.
Variant type: single nucleotide variant.
Coding change: c.2416G>A on transcript NM_019594.4 (MANE Select); coding-DNA position 2416, G replaced by A.
Protein change: p.Asp806Asn; replaces aspartic acid 806 with asparagine.
Molecular consequence: missense variant.
Genome position (GRCh38, 1-based): chr9:128,916,354, G>A. VCF-style: chr9-128916354-G-A. GRCh37 (hg19) VCF-style: chr9-131678633-G-A.
Other names: c.2416G>A (NM_001127244.1); c.2416G>A, p.Asp806Asn (NM_001127244.2, NM_001127245.2); short protein forms D806N.
Identifiers: ClinVar variation 2088890 (VCV002088890.5), dbSNP rs1840819644, ClinGen allele CA375093680.
Genomic context (GRCh38, chr9:128,916,354, plus strand): 5'-GTGGAGGAGGACCTGTTCAACACACTGCCACCCGAGGTGAAGGAGCGGCTGTGGAGGGCT[G>A]ACAAGGAGCAGGCCTGAGCGAGGCCGGCCCAGCACAGCAAGCAGCAGGACCGCTGCCCAG-3'
Protein context (NP_062540.2, residues 796-810): PEVKERLWRA[Asp806Asn]KEQA

ClinVar aggregate classification (germline): Uncertain significance. Review status: criteria provided, multiple submitters, no conflicts (2 of 4 stars). 2 submissions from 2 submitters: Uncertain significance (2). Last evaluated 2025-03-31.

Allele frequency attached by ClinVar (database versions not stated): TOPMed below 0.00001.
gnomAD v4.1: 2 of 1,611,412 alleles (0.00012%); no homozygotes.

Submissions (2):

Ambry Genetics
Classification: Uncertain significance. Last evaluated: 2025-03-31. Review status: criteria provided, single submitter. Criteria: Ambry Variant Classification Scheme 2023. Collection method: clinical testing. Allele origin: germline.

Labcorp Genetics (formerly Invitae), Labcorp
Classification: Uncertain significance. Last evaluated: 2023-10-03. Review status: criteria provided, single submitter. Criteria: Invitae Variant Classification Sherloc (09022015). Collection method: clinical testing. Allele origin: germline.
Comment: This sequence change replaces aspartic acid, which is acidic and polar, with asparagine, which is neutral and polar, at codon 806 of the LRRC8A protein (p.Asp806Asn). This variant is not present in population databases (gnomAD no frequency). This variant has not been reported in the literature in individuals affected with LRRC8A-related conditions. ClinVar contains an entry for this variant (Variation ID: 2088890). An algorithm developed to predict the effect of missense changes on protein structure and function (PolyPhen-2) suggests that this variant is likely to be tolerated. In summary, the available evidence is currently insufficient to determine the role of this variant in disease. Therefore, it has been classified as a Variant of Uncertain Significance.